The following is an entry in ClinVar:

ClinVar aggregate classification (germline): Likely pathogenic (0 of 4 stars; one submission).

Conditions:
Platelet-type bleeding disorder 15 (BDPLT15). Also called: MACROTHROMBOCYTOPENIA, AUTOSOMAL DOMINANT, ACTN1-RELATED. Identifiers: Orphanet 140957, MedGen C3554663, MONDO:0014078, OMIM 615193.

Submission:

Unidade de Genética Molecular, Centro Hospitalar Universitário do Porto
Classification: Likely pathogenic for Platelet-type bleeding disorder 15. Last evaluated: 2022-07-07. Review status: no assertion criteria provided. Collection method: research. Allele origin: paternal. Inheritance: Autosomal dominant inheritance. Affected: yes. Observed: 1 heterozygote.
Comment: PM1, PM2, PP2, PP3, PP1

NM_001130004.2(ACTN1):c.342A>C (p.Glu114Asp)

Gene: ACTN1 (actinin alpha 1; minus strand). Cytogenetic location: 14q24.1.
Variant type: single nucleotide variant.
Coding change: c.342A>C on transcript NM_001130004.2 (MANE Select); coding-DNA position 342, A replaced by C.
Protein change: p.Glu114Asp; replaces glutamic acid 114 with aspartic acid.
Molecular consequence: missense variant.
Genome position (GRCh38, 1-based): chr14:68,912,241, T>G on the plus strand (A>C on the coding strand, the complement: ACTN1 is on the minus strand). VCF-style: chr14-68912241-T-G. GRCh37 (hg19) VCF-style: chr14-69378958-T-G.
Other names: c.342A>C, p.Glu114Asp (NM_001102.4, NM_001130005.2); short protein forms E114D.
Identifiers: ClinVar variation 1693577 (VCV001693577.4), dbSNP rs2140302263, ClinGen allele CA390192191.